The following is an entry in ClinVar:

NM_001024630.4(RUNX2):c.1099C>G (p.Leu367Val)

Gene: RUNX2 (RUNX family transcription factor 2; plus strand). Cytogenetic location: 6p21.1.
Variant type: single nucleotide variant.
Coding change: c.1099C>G on transcript NM_001024630.4 (MANE Select); coding-DNA position 1099, C replaced by G.
Protein change: p.Leu367Val; replaces leucine 367 with valine.
Molecular consequence: missense variant.
Genome position (GRCh38, 1-based): chr6:45,546,838, C>G. VCF-style: chr6-45546838-C-G. GRCh37 (hg19) VCF-style: chr6-45514575-C-G.
Other names: c.1033C>G, p.Leu345Val (NM_001015051.4); c.991C>G, p.Leu331Val (NM_001278478.2); c.1057C>G, p.Leu353Val (NM_001369405.1); short protein forms L353V, L331V, L345V, L367V.
Identifiers: ClinVar variation 3948911 (VCV003948911.2).

ClinVar aggregate classification (germline): Uncertain significance. Review status: criteria provided, multiple submitters, no conflicts (2 of 4 stars). 2 submissions from 2 submitters: Uncertain significance (2). Last evaluated 2025-09-06.

Conditions:
Inborn genetic diseases. Identifiers: MedGen C0950123, MeSH D030342.

gnomAD v4.1: 2 of 1,613,722 alleles (0.00012%); highest among the groups gnomAD compares: African/African-American, 0.0013%; no homozygotes.

Submissions (2):

Labcorp Genetics (formerly Invitae), Labcorp
Classification: Uncertain significance. Last evaluated: 2025-09-06. Review status: criteria provided, single submitter. Criteria: Invitae Variant Classification Sherloc (09022015). Collection method: clinical testing. Allele origin: germline.
Comment: This sequence change replaces leucine, which is neutral and non-polar, with valine, which is neutral and non-polar, at codon 367 of the RUNX2 protein (p.Leu367Val). This variant is present in population databases (rs140165241, gnomAD 0.007%). This variant has not been reported in the literature in individuals affected with RUNX2-related conditions. ClinVar contains an entry for this variant (Variation ID: 3948911). Invitae Evidence Modeling of protein sequence and biophysical properties (such as structural, functional, and spatial information, amino acid conservation, physicochemical variation, residue mobility, and thermodynamic stability) indicates that this missense variant is not expected to disrupt RUNX2 protein function with a negative predictive value of 80%. In summary, the available evidence is currently insufficient to determine the role of this variant in disease. Therefore, it has been classified as a Variant of Uncertain Significance.

Ambry Genetics
Classification: Uncertain significance for Inborn genetic diseases. Last evaluated: 2025-06-06. Review status: criteria provided, single submitter. Criteria: Ambry Variant Classification Scheme 2023. Collection method: clinical testing. Allele origin: germline.